The following is an entry in ClinVar:

NM_001046.3(SLC12A2):c.2639A>G (p.Lys880Arg)

Gene: SLC12A2 (solute carrier family 12 member 2; plus strand). Cytogenetic location: 5q23.3.
Variant type: single nucleotide variant.
Coding change: c.2639A>G on transcript NM_001046.3 (MANE Select); coding-DNA position 2639, A replaced by G.
Protein change: p.Lys880Arg; replaces lysine 880 with arginine.
Molecular consequence: missense variant. On other transcripts: non-coding transcript variant (1).
Genome position (GRCh38, 1-based): chr5:128,167,783, A>G. VCF-style: chr5-128167783-A-G. GRCh37 (hg19) VCF-style: chr5-127503475-A-G.
Other names: c.2639A>G, p.Lys880Arg (NM_001256461.2); short protein forms K880R.
Identifiers: ClinVar variation 1497323 (VCV001497323.8), dbSNP rs2126741336, ClinGen allele CA360752224.

ClinVar aggregate classification (germline): Uncertain significance. Review status: criteria provided, multiple submitters, no conflicts (2 of 4 stars). 2 submissions from 2 submitters: Uncertain significance (2). Last evaluated 2025-03-27.

Conditions:
Hearing loss, autosomal dominant 78. Also called: DEAFNESS, AUTOSOMAL DOMINANT 78. Identifiers: MedGen C5436768, MONDO:0033665, OMIM 619081.

Submissions (2):

Victorian Clinical Genetics Services, Murdoch Childrens Research Institute
Classification: Uncertain significance for Hearing loss, autosomal dominant 78. Last evaluated: 2025-03-27. Review status: criteria provided, single submitter. Criteria: ACMG Guidelines, 2015. Collection method: clinical testing. Allele origin: germline. Affected: yes.
Comment: This variant is classified as VUS-3C. Evidence in support of pathogenic classification: Variant is absent from gnomAD (v2, v3 and v4). Additional information: Variant is predicted to result in a missense amino acid change from lysine to arginine; This variant is heterozygous; This gene is associated with both recessive and dominant disease. Autosomal dominant is the predominant mode of inheritance (PMID: 34226616); Previous evidence of pathogenicity for this variant is inconclusive. This variant has been classified as a VUS by a clinical laboratory in ClinVar; No published segregation evidence has been identified for this variant; No published functional evidence has been identified for this variant; No comparable missense variants have previous evidence for pathogenicity; Variant is located in the annotated solute carrier family 12 domain (DECIPHER); Missense variant with inconclusive in silico prediction and uninformative conservation; Loss of function is a known mechanism of disease in this gene and is associated with Kilquist syndrome (MIM#619080). The mechanism for autosomal dominant deafness 78 (MIM#619081) and Delpire-McNeill syndrome (MIM#619083) is currently unknown; however, dominant negative and loss of function have been suggested (PMID: 30740830, 32754646, 32294086, 34226616, 37399495); Variants in this gene are known to have variable expressivity (PMID: 32658972).

Labcorp Genetics (formerly Invitae), Labcorp
Classification: Uncertain significance. Last evaluated: 2022-10-03. Review status: criteria provided, single submitter. Criteria: Invitae Variant Classification Sherloc (09022015). Collection method: clinical testing. Allele origin: germline.
Comment: ClinVar contains an entry for this variant (Variation ID: 1497323). In summary, the available evidence is currently insufficient to determine the role of this variant in disease. Therefore, it has been classified as a Variant of Uncertain Significance. Advanced modeling of protein sequence and biophysical properties (such as structural, functional, and spatial information, amino acid conservation, physicochemical variation, residue mobility, and thermodynamic stability) performed at Invitae indicates that this missense variant is not expected to disrupt SLC12A2 protein function. This variant has not been reported in the literature in individuals affected with SLC12A2-related conditions. This variant is not present in population databases (gnomAD no frequency). This sequence change replaces lysine, which is basic and polar, with arginine, which is basic and polar, at codon 880 of the SLC12A2 protein (p.Lys880Arg).

Literature cited by the submitters: PubMed 32294086 (cited by Victorian Clinical Genetics Services, Murdoch Childrens Research Institute); PubMed 32754646 (cited by Victorian Clinical Genetics Services, Murdoch Childrens Research Institute); PubMed 30740830 (cited by Victorian Clinical Genetics Services, Murdoch Childrens Research Institute); PubMed 37399495 (cited by Victorian Clinical Genetics Services, Murdoch Childrens Research Institute); PubMed 34226616 (cited by Victorian Clinical Genetics Services, Murdoch Childrens Research Institute); PubMed 32658972 (cited by Victorian Clinical Genetics Services, Murdoch Childrens Research Institute).